The following is an entry in ClinVar:

NM_002049.4(GATA1):c.283G>A (p.Gly95Ser)

Gene: GATA1 (GATA binding protein 1; plus strand). Cytogenetic location: Xp11.23.
Variant type: single nucleotide variant.
Coding change: c.283G>A on transcript NM_002049.4 (MANE Select); coding-DNA position 283, G replaced by A.
Protein change: p.Gly95Ser; replaces glycine 95 with serine.
Molecular consequence: missense variant.
Genome position (GRCh38, 1-based): chrX:48,791,906, G>A. VCF-style: chrX-48791906-G-A. GRCh37 (hg19) VCF-style: chrX-48650313-G-A.
Other names: c.283G>A (NM_002049.3); short protein forms G95S.
Identifiers: ClinVar variation 1018362 (VCV001018362.11), dbSNP rs782790256, ClinGen allele CA10404581.

ClinVar aggregate classification (germline): Conflicting classifications of pathogenicity. Review status: criteria provided, conflicting classifications (1 of 4 stars). 3 submissions from 3 submitters: Uncertain significance (2); Likely benign (1). Last evaluated 2024-07-17.

Conditions:
Hemolytic anemia due to erythrocyte adenosine deaminase overproduction (CNSHA9). Also called: Adenosine deaminase, elevated, hemolytic anemia due to; ERYTHROCYTE ADA, ELEVATED, HEMOLYTIC ANEMIA DUE TO; ANEMIA, CONGENITAL, NONSPHEROCYTIC HEMOLYTIC, 9. Identifiers: Orphanet 99138, MedGen C1863235, MONDO:0020458, OMIM 301083.
Thrombocytopenia, X-linked, with or without dyserythropoietic anemia (XLTDA). Identifiers: Orphanet 67044, MedGen C3550789, MONDO:0010308, OMIM 300367.
Beta-thalassemia-X-linked thrombocytopenia syndrome. Also called: THROMBOCYTOPENIA WITH BETA-THALASSEMIA, X-LINKED. Identifiers: Orphanet 231393, MedGen C1839161, MONDO:0010745, OMIM 314050.
X-linked dyserythropoetic anemia with abnormal platelets and neutropenia. Also called: ANEMIA, X-LINKED, WITH OR WITHOUT NEUTROPENIA AND/OR PLATELET ABNORMALITIES. Identifiers: Orphanet 363727, MedGen C3550856, MONDO:0010444, OMIM 300835.
Transient myeloproliferative syndrome. Also called: LEUKEMIA, TRANSIENT; TRANSIENT ABNORMAL MYELOPOIESIS; Transient myeloproliferative syndrome (disease). Identifiers: Orphanet 420611, MedGen C1834582, MONDO:0008040, OMIM 159595, HP:0005534.
Diamond-Blackfan anemia. Also called: Blackfan Diamond syndrome; Aregenerative anemia chronic congenital; Red cell aplasia, pure hereditary; Congenital hypoplastic anemia; Aase syndrome. Identifiers: Orphanet 124, MedGen C1260899, MeSH D029503, MONDO:0015253, HP:0004810.
GATA binding protein 1 related thrombocytopenia with dyserythropoiesis. Also called: GATA1-Related X-Linked Cytopenia; GATA1-Related Cytopenia. Identifiers: MedGen C1845837, MONDO:0100089.
Inborn genetic diseases. Identifiers: MedGen C0950123, MeSH D030342.

Allele frequency attached by ClinVar (database versions not stated): TOPMed below 0.00001; ExAC 0.00001; gnomAD 0.00001; gnomAD exomes 0.00002.
gnomAD v4.1: 31 of 1,210,208 alleles (0.0026%); highest among the groups gnomAD compares: Non-Finnish European, 0.0031%; no homozygotes.

Submissions (3):

Ambry Genetics
Classification: Likely benign for Inborn genetic diseases. Last evaluated: 2024-07-17. Review status: criteria provided, single submitter. Criteria: Ambry Variant Classification Scheme 2023. Collection method: clinical testing. Allele origin: germline.

Fulgent Genetics
Classification: Uncertain significance for Transient myeloproliferative syndrome; Thrombocytopenia, X-linked, with or without dyserythropoietic anemia; X-linked dyserythropoetic anemia with abnormal platelets and neutropenia; Hemolytic anemia due to erythrocyte adenosine deaminase overproduction; Beta-thalassemia-X-linked thrombocytopenia syndrome. Last evaluated: 2024-01-19. Review status: criteria provided, single submitter. Criteria: ACMG Guidelines, 2015. Collection method: clinical testing. Allele origin: germline.

Labcorp Genetics (formerly Invitae), Labcorp
Classification: Uncertain significance for GATA binding protein 1 related thrombocytopenia with dyserythropoiesis; Diamond-Blackfan anemia. Last evaluated: 2021-05-09. Review status: criteria provided, single submitter. Criteria: Invitae Variant Classification Sherloc (09022015). Collection method: clinical testing. Allele origin: germline.
Comment: Algorithms developed to predict the effect of missense changes on protein structure and function output the following: SIFT: "Tolerated"; PolyPhen-2: "Benign"; Align-GVGD: "Class C0". The serine amino acid residue is found in multiple mammalian species, suggesting that this missense change does not adversely affect protein function. These predictions have not been confirmed by published functional studies and their clinical significance is uncertain. This variant has not been reported in the literature in individuals with GATA1-related conditions. This variant is present in population databases (rs782790256, ExAC 0.002%). This sequence change replaces glycine with serine at codon 95 of the GATA1 protein (p.Gly95Ser). The glycine residue is weakly conserved and there is a small physicochemical difference between glycine and serine. In summary, the available evidence is currently insufficient to determine the role of this variant in disease. Therefore, it has been classified as a Variant of Uncertain Significance. Algorithms developed to predict the effect of sequence changes on RNA splicing suggest that this variant may create or strengthen a splice site, but this prediction has not been confirmed by published transcriptional studies.